The following is an entry in ClinVar:

NM_004563.4(PCK2):c.94G>A (p.Val32Met)

Genes: NRL (neural retina leucine zipper; minus strand), PCK2 (phosphoenolpyruvate carboxykinase 2, mitochondrial; plus strand). Cytogenetic location: 14q11.2.
Variant type: single nucleotide variant.
Coding change: c.94G>A on transcript NM_004563.4 (MANE Select); coding-DNA position 94, G replaced by A.
Protein change: p.Val32Met; replaces valine 32 with methionine.
Molecular consequence: missense variant. On other transcripts: 5 prime UTR variant (1), intron variant (4).
Genome position (GRCh38, 1-based): chr14:24,096,956, G>A. VCF-style: chr14-24096956-G-A. GRCh37 (hg19) VCF-style: chr14-24566165-G-A.
Other names: c.94G>A, p.Val32Met (NM_001018073.3); c.-309G>A (NM_001308054.2); c.-27-14081C>T (NM_001354768.3, NM_001354770.2); c.-253-12211C>T (NM_006177.5); c.-127-1247G>A (NM_001291556.2); short protein forms V32M.
Identifiers: ClinVar variation 2396840 (VCV002396840.4), dbSNP rs772550842, ClinGen allele CA7123020.

ClinVar aggregate classification (germline): Uncertain significance. Review status: criteria provided, multiple submitters, no conflicts (2 of 4 stars). 2 submissions from 2 submitters: Uncertain significance (2). Last evaluated 2024-11-25.

Allele frequency attached by ClinVar (database versions not stated): ExAC 0.00001; gnomAD exomes 0.00001; gnomAD 0.00003; TOPMed 0.00005.
gnomAD v4.1: 14 of 1,613,552 alleles (0.00087%); highest among the groups gnomAD compares: Admixed American, 0.01%; no homozygotes.

Submissions (2):

Labcorp Genetics (formerly Invitae), Labcorp
Classification: Uncertain significance. Last evaluated: 2024-11-25. Review status: criteria provided, single submitter. Criteria: Invitae Variant Classification Sherloc (09022015). Collection method: clinical testing. Allele origin: germline.
Comment: This sequence change replaces valine, which is neutral and non-polar, with methionine, which is neutral and non-polar, at codon 32 of the PCK2 protein (p.Val32Met). This variant is present in population databases (rs772550842, gnomAD 0.01%). This variant has not been reported in the literature in individuals affected with PCK2-related conditions. ClinVar contains an entry for this variant (Variation ID: 2396840). An algorithm developed to predict the effect of missense changes on protein structure and function (PolyPhen-2) suggests that this variant is likely to be tolerated. In summary, the available evidence is currently insufficient to determine the role of this variant in disease. Therefore, it has been classified as a Variant of Uncertain Significance.

Ambry Genetics
Classification: Uncertain significance. Last evaluated: 2022-10-05. Review status: criteria provided, single submitter. Criteria: Ambry Variant Classification Scheme 2023. Collection method: clinical testing. Allele origin: germline.